The following is an entry in ClinVar:

NM_001378183.1(PIEZO2):c.8073A>C (p.Lys2691Asn)

Gene: PIEZO2 (piezo type mechanosensitive ion channel component 2; minus strand). Cytogenetic location: 18p11.22.
Variant type: single nucleotide variant.
Coding change: c.8073A>C on transcript NM_001378183.1 (MANE Select); coding-DNA position 8073, A replaced by C.
Protein change: p.Lys2691Asn; replaces lysine 2691 with asparagine.
Molecular consequence: missense variant.
Genome position (GRCh38, 1-based): chr18:10,677,755, T>G on the plus strand (A>C on the coding strand, the complement: PIEZO2 is on the minus strand). VCF-style: chr18-10677755-T-G. GRCh37 (hg19) VCF-style: chr18-10677752-T-G.
Other names: c.7809A>C, p.Lys2603Asn (NM_001410871.1); c.7734A>C, p.Lys2578Asn (NM_022068.4); short protein forms K2691N, K2578N, K2603N.
Identifiers: ClinVar variation 2995666 (VCV002995666.3), dbSNP rs1567937973, ClinGen allele CA401913744.
Genomic context (GRCh38, chr18:10,677,755, plus strand): 5'-ACCAGCTGCATATACCTAACAAAGCTCTATTAGTAGGAAAAAATACACTTACACTGGTGT[T>G]TTTGAACTTTCTGTGCTGTTGCCTGCTATCATTTTAGCGATATTCTTTCGAGTAATATTT-3'
Protein context (NP_001365112.1, residues 2681-2701): MIAGNSTESS[Lys2691Asn]TPVTIEKIYP

ClinVar aggregate classification (germline): Uncertain significance (1 of 4 stars; one submission).

Allele frequency attached by ClinVar (database versions not stated): gnomAD exomes below 0.00001.
gnomAD v4.1: 1 of 1,609,078 alleles (0.000062%); highest among the groups gnomAD compares: African/African-American, 0.0013%; no homozygotes.

Submission:

Labcorp Genetics (formerly Invitae), Labcorp
Classification: Uncertain significance. Last evaluated: 2023-07-10. Review status: criteria provided, single submitter. Criteria: Invitae Variant Classification Sherloc (09022015). Collection method: clinical testing. Allele origin: germline.
Comment: In summary, the available evidence is currently insufficient to determine the role of this variant in disease. Therefore, it has been classified as a Variant of Uncertain Significance. Advanced modeling of protein sequence and biophysical properties (such as structural, functional, and spatial information, amino acid conservation, physicochemical variation, residue mobility, and thermodynamic stability) performed at Invitae indicates that this missense variant is not expected to disrupt PIEZO2 protein function. This variant has not been reported in the literature in individuals affected with PIEZO2-related conditions. This variant is not present in population databases (gnomAD no frequency). This sequence change replaces lysine, which is basic and polar, with asparagine, which is neutral and polar, at codon 2578 of the PIEZO2 protein (p.Lys2578Asn).